The following is an entry in ClinVar:

NM_182961.4(SYNE1):c.7647C>T (p.His2549=)

Gene: SYNE1 (spectrin repeat containing nuclear envelope protein 1; minus strand). Cytogenetic location: 6q25.2.
Variant type: single nucleotide variant.
Coding change: c.7647C>T on transcript NM_182961.4 (MANE Select); coding-DNA position 7647, C replaced by T.
Protein change: p.His2549=; no amino-acid change (histidine 2549 retained).
Molecular consequence: synonymous variant.
Genome position (GRCh38, 1-based): chr6:152,395,581, G>A on the plus strand (C>T on the coding strand, the complement: SYNE1 is on the minus strand). VCF-style: chr6-152395581-G-A. GRCh37 (hg19) VCF-style: chr6-152716716-G-A.
Other names: c.7668C>T, p.His2556= (NM_033071.5).
Identifiers: ClinVar variation 197929 (VCV000197929.36), dbSNP rs113163375, ClinGen allele CA246320.
Genomic context (GRCh38, chr6:152,395,581, plus strand): 5'-AGCCAGCAGTTCTCCCAAAAACATTTCAACTTTATGAACTTCATTTTTCTTCTCAGGAAT[G>A]TGCTGTTTACTCTCTCCCAAGTTTTCCGTATTGAACCTTTCTTCCATTTCATGGATCCAT-3'
Protein context (NP_892006.3, residues 2539-2559): NTENLGESKQ[His2549=]IPEKKNEVHK

ClinVar aggregate classification (germline): Conflicting classifications of pathogenicity. Review status: criteria provided, conflicting classifications (1 of 4 stars). 7 submissions from 7 submitters: Uncertain significance (1); Benign (1); Likely benign (5). Last evaluated 2026-01-26.

Conditions:
Autosomal recessive ataxia, Beauce type. Also called: SYNE1-Related Autosomal Recessive Cerebellar Ataxia; ATAXIA, RECESSIVE, OF BEAUCE; SYNE1 Deficiency; Spinocerebellar ataxia, autosomal recessive 8. Identifiers: Orphanet 88644, MedGen C1853116, MONDO:0012549, OMIM 610743.
Emery-Dreifuss muscular dystrophy 4, autosomal dominant (EDMD4). Also called: EMERY-DREIFUSS MUSCULAR DYSTROPHY 4 WITH VARIABLE FEATURES. Identifiers: Orphanet 261, MedGen C2751807, MONDO:0013071, OMIM 612998.

Allele frequency attached by ClinVar (database versions not stated): gnomAD exomes 0.00008 and 0.00019; ExAC 0.00021; ESP Exome Variant Server 0.00031; gnomAD 0.00060 and 0.00071; TOPMed 0.00082; 1000 Genomes Project 0.00100; 1000 Genomes Project 30x 0.00109.
gnomAD v4.1: 223 of 1,614,078 alleles (0.014%); highest among the groups gnomAD compares: African/African-American, 0.22%; 1 homozygote.

Submissions (7):

Labcorp Genetics (formerly Invitae), Labcorp
Classification: Likely benign for Emery-Dreifuss muscular dystrophy 4, autosomal dominant; Autosomal recessive ataxia, Beauce type. Last evaluated: 2026-01-26. Review status: criteria provided, single submitter. Criteria: Invitae Variant Classification Sherloc (09022015). Collection method: clinical testing. Allele origin: germline.

CeGaT Center for Human Genetics Tuebingen
Classification: Likely benign. Last evaluated: 2024-09-01. Review status: criteria provided, single submitter. Criteria: CeGaT Center For Human Genetics Tuebingen Variant Classification Criteria Version 2. Collection method: clinical testing. Allele origin: germline. Affected: yes. Observed: 1 variant allele.
Comment: SYNE1: BP4, BP7

Blueprint Genetics
Classification: Likely benign. Last evaluated: 2024-02-16. Review status: criteria provided, single submitter. Criteria: ACMG Guidelines, 2015. Collection method: clinical testing. Allele origin: germline.

Athena Diagnostics
Classification: Benign. Last evaluated: 2018-06-19. Review status: criteria provided, single submitter. Criteria: Athena Diagnostics Criteria. Collection method: clinical testing. Allele origin: germline.

GeneDx
Classification: Likely benign. Last evaluated: 2018-02-01. Review status: criteria provided, single submitter. Criteria: GeneDx Variant Classification (06012015). Collection method: clinical testing. Allele origin: germline. Affected: yes.
Comment: This variant is considered likely benign or benign based on one or more of the following criteria: it is a conservative change, it occurs at a poorly conserved position in the protein, it is predicted to be benign by multiple in silico algorithms, and/or has population frequency not consistent with disease.

Eurofins Ntd Llc (ga)
Classification: Uncertain significance. Last evaluated: 2017-12-11. Review status: criteria provided, single submitter. Criteria: EGL Classification Definitions 2015. Collection method: clinical testing. Allele origin: germline. Observed: 5 variant alleles, 5 heterozygotes.

Genetic Services Laboratory, University of Chicago
Classification: Likely benign. Last evaluated: 2016-10-10. Review status: criteria provided, single submitter. Criteria: ACMG Guidelines, 2015. Collection method: clinical testing. Allele origin: germline. Affected: no.